The following is an entry in ClinVar:

ClinVar aggregate classification (germline): Likely pathogenic. Review status: criteria provided, single submitter (1 of 4 stars). 2 submissions from 2 submitters: Likely pathogenic (1). 1 of the submissions does not count toward it. Last evaluated 2024-10-07.

Conditions:
Glycine encephalopathy. Also called: Nonketotic hyperglycinemia; Non-ketotic hyperglycinemia. Identifiers: Orphanet 407, MedGen C0751748, MONDO:0011612, HP:0008288.

Submissions (2):

Natera, Inc.
Classification: Likely pathogenic for Non-ketotic hyperglycinemia. Last evaluated: 2024-10-07. Review status: criteria provided, single submitter. Criteria: Natera Variant Classification Schema (03/2026). Collection method: clinical testing. Allele origin: germline.
Comment: The c.449A>C variant in GLDC is a missense variant predicted to cause substitution of asparagine to threonine at amino acid 150. This variant is rare in the general population with a frequency below the threshold expected for the associated phenotype(s). This variant has been observed in one or more individuals affected with the associated recessive disease, as either homozygous or compound heterozygous with a second variant (PMID: 15192636). Functional studies show that this variant may disrupt protein function (PMID: 15192636). Computational prediction algorithms indicate this variant is likely to affect gene or protein function. Given the available evidence, this variant is classified as Likely Pathogenic.

Juha Muilu Group; Institute for Molecular Medicine Finland (FIMM)
Classification: Likely pathogenic for Non-ketotic hyperglycinemia. Review status: no assertion criteria provided. Collection method: not provided. Allele origin: unknown. Not counted in ClinVar's aggregate classification.
Comment: FinDis database variant: This variant was not found or characterized by our laboratory, data were collected from public sources: see reference
ClinVar note: Converted during submission from probable-pathogenic to Likely pathogenic.

Literature cited by the submitters: PubMed 15192636 (cited by Natera, Inc.).

NM_000170.3(GLDC):c.449A>C (p.Asn150Thr)

Gene: GLDC (glycine decarboxylase; minus strand). Cytogenetic location: 9p24.1.
Variant type: single nucleotide variant.
Coding change: c.449A>C on transcript NM_000170.3 (MANE Select); coding-DNA position 449, A replaced by C.
Protein change: p.Asn150Thr; replaces asparagine 150 with threonine.
Molecular consequence: missense variant.
Genome position (GRCh38, 1-based): chr9:6,620,205, T>G on the plus strand (A>C on the coding strand, the complement: GLDC is on the minus strand). VCF-style: chr9-6620205-T-G. GRCh37 (hg19) VCF-style: chr9-6620205-T-G.
Other names: short protein forms N150T.
Identifiers: ClinVar variation 56096 (VCV000056096.3), dbSNP rs386833578, ClinGen allele CA263417.